The following is an entry in ClinVar:

NM_001429.4(EP300):c.5231A>G (p.His1744Arg)

Gene: EP300 (EP300 lysine acetyltransferase; plus strand). Cytogenetic location: 22q13.2.
Variant type: single nucleotide variant.
Coding change: c.5231A>G on transcript NM_001429.4 (MANE Select); coding-DNA position 5231, A replaced by G.
Protein change: p.His1744Arg; replaces histidine 1744 with arginine.
Molecular consequence: missense variant.
Genome position (GRCh38, 1-based): chr22:41,176,942, A>G. VCF-style: chr22-41176942-A-G. GRCh37 (hg19) VCF-style: chr22-41572946-A-G.
Other names: c.5153A>G, p.His1718Arg (NM_001362843.2); short protein forms H1718R, H1744R.
Identifiers: ClinVar variation 2028095 (VCV002028095.4), dbSNP rs2517832108, ClinGen allele CA411708491.
Genomic context (GRCh38, chr22:41,176,942, plus strand): 5'-CCCAGAGCCCAGGCGATTCTCGCCGCCTGAGTATCCAGCGCTGCATCCAGTCTCTGGTCC[A>G]TGCTTGCCAGTGTCGGAATGCCAATTGCTCACTGCCATCCTGCCAGAAGATGAAGCGGGT-3'
Protein context (NP_001420.2, residues 1734-1754): SIQRCIQSLV[His1744Arg]ACQCRNANCS

ClinVar aggregate classification (germline): Uncertain significance (1 of 4 stars; one submission).

Conditions:
Rubinstein-Taybi syndrome due to EP300 haploinsufficiency. Also called: EP300-Related Rubinstein-Taybi Syndrome; RUBINSTEIN-TAYBI SYNDROME 2. Identifiers: Orphanet 353284, Orphanet 783, MedGen C3150941, MONDO:0013364, OMIM 613684.

Submission:

Labcorp Genetics (formerly Invitae), Labcorp
Classification: Uncertain significance for Rubinstein-Taybi syndrome due to EP300 haploinsufficiency. Last evaluated: 2022-08-31. Review status: criteria provided, single submitter. Criteria: Invitae Variant Classification Sherloc (09022015). Collection method: clinical testing. Allele origin: germline.
Comment: In summary, the available evidence is currently insufficient to determine the role of this variant in disease. Therefore, it has been classified as a Variant of Uncertain Significance. Advanced modeling of protein sequence and biophysical properties (such as structural, functional, and spatial information, amino acid conservation, physicochemical variation, residue mobility, and thermodynamic stability) performed at Invitae indicates that this missense variant is expected to disrupt EP300 protein function. This variant has not been reported in the literature in individuals affected with EP300-related conditions. This variant is not present in population databases (gnomAD no frequency). This sequence change replaces histidine, which is basic and polar, with arginine, which is basic and polar, at codon 1744 of the EP300 protein (p.His1744Arg).